The following is an entry in ClinVar:

NM_020806.5(GPHN):c.1249C>G (p.Pro417Ala)

Gene: GPHN (gephyrin; plus strand). Cytogenetic location: 14q23.3.
Variant type: single nucleotide variant.
Coding change: c.1249C>G on transcript NM_020806.5 (MANE Select); coding-DNA position 1249, C replaced by G.
Protein change: p.Pro417Ala; replaces proline 417 with alanine.
Molecular consequence: missense variant.
Genome position (GRCh38, 1-based): chr14:67,100,867, C>G. VCF-style: chr14-67100867-C-G. GRCh37 (hg19) VCF-style: chr14-67567584-C-G.
Other names: c.1150C>G, p.Pro384Ala (NM_001024218.2); c.1309C>G, p.Pro437Ala (NM_001377514.1); c.1279C>G, p.Pro427Ala (NM_001377515.1); c.1270C>G, p.Pro424Ala (NM_001377516.1); c.1222C>G, p.Pro408Ala (NM_001377517.1); c.1207C>G, p.Pro403Ala (NM_001377518.1); c.1189C>G, p.Pro397Ala (NM_001377519.1); short protein forms P424A, P437A, P384A, P397A, P417A, P427A, P403A, P408A.
Identifiers: ClinVar variation 1350211 (VCV001350211.8), dbSNP rs2153678716, ClinGen allele CA390257676.

ClinVar aggregate classification (germline): Uncertain significance (1 of 4 stars; one submission).

Conditions:
Sulfite oxidase deficiency due to molybdenum cofactor deficiency type C. Also called: Molybdenum cofactor deficiency C; Molybdenum cofactor deficiency, complementation group C. Identifiers: Orphanet 308400, Orphanet 833, MedGen C1854990, MONDO:0014212, OMIM 615501.

Submission:

Labcorp Genetics (formerly Invitae), Labcorp
Classification: Uncertain significance for Sulfite oxidase deficiency due to molybdenum cofactor deficiency type C. Last evaluated: 2022-01-27. Review status: criteria provided, single submitter. Criteria: Invitae Variant Classification Sherloc (09022015). Collection method: clinical testing. Allele origin: germline.
Comment: In summary, the available evidence is currently insufficient to determine the role of this variant in disease. Therefore, it has been classified as a Variant of Uncertain Significance. Algorithms developed to predict the effect of missense changes on protein structure and function are either unavailable or do not agree on the potential impact of this missense change (SIFT: "Tolerated"; PolyPhen-2: "Probably Damaging"; Align-GVGD: "Class C0"). This variant has not been reported in the literature in individuals affected with GPHN-related conditions. This variant is not present in population databases (gnomAD no frequency). This sequence change replaces proline, which is neutral and non-polar, with alanine, which is neutral and non-polar, at codon 417 of the GPHN protein (p.Pro417Ala).